The following is an entry in ClinVar:

ClinVar aggregate classification (germline): Uncertain significance (1 of 4 stars; one submission).

gnomAD v4.1: 4 of 1,211,473 alleles (0.00033%); highest among the groups gnomAD compares: South Asian, 0.007%; no homozygotes.

Submission:

Women's Health and Genetics/Laboratory Corporation of America, LabCorp
Classification: Uncertain significance. Last evaluated: 2024-05-15. Review status: criteria provided, single submitter. Criteria: LabCorp Variant Classification Summary - May 2015. Collection method: clinical testing. Allele origin: germline.
Comment: Variant summary: RS1 c.583A>G (p.Ile195Val) results in a conservative amino acid change located in the Coagulation factor 5/8 C-terminal domain (IPR000421) of the encoded protein sequence. Four of five in-silico tools predict a benign effect of the variant on protein function. The variant allele was found at a frequency of 1.1e-05 in 183032 control chromosomes, including 2 hemizygotes (gnomAD). The available data on variant occurrences in the general population are insufficient to allow any conclusion about variant significance. c.583A>G has been reported in the literature in at least one hemizygous individual affected with Juvenile Retinoschisis (e.g., Suganthalakshmi_2007). These data do not allow any conclusion about variant significance. To our knowledge, no experimental evidence demonstrating an impact on protein function has been reported. The following publication was ascertained in the context of this evaluation (PMID: 17515881). No submitters have cited clinical-significance assessments for this variant to ClinVar. Based on the evidence outlined above, the variant was classified as uncertain significance.

Literature cited by the submitters: PubMed 17515881.

NM_000330.4(RS1):c.583A>G (p.Ile195Val)

Genes: CDKL5 (cyclin dependent kinase like 5; plus strand), RS1 (retinoschisin 1; minus strand). Cytogenetic location: Xp22.13.
Variant type: single nucleotide variant.
Coding change: c.583A>G on transcript NM_000330.4 (MANE Select); coding-DNA position 583, A replaced by G.
Protein change: p.Ile195Val; replaces isoleucine 195 with valine.
Molecular consequence: missense variant. On other transcripts: intron variant (2).
Genome position (GRCh38, 1-based): chrX:18,642,096, T>C on the plus strand (A>G on the coding strand, the complement: RS1 is on the minus strand). VCF-style: chrX-18642096-T-C. GRCh37 (hg19) VCF-style: chrX-18660216-T-C.
Other names: c.2714-3911T>C (NM_003159.3, NM_001037343.2); short protein forms I195V.
Identifiers: ClinVar variation 3336578 (VCV003336578.1).
Genomic context (GRCh38, chrX:18,642,096, plus strand): 5'-CCATCCGGATGGCAATGCGGACGTGCCAGCCCAGCGGGATGAGGCGGATGAAGCGGGAGA[T>C]GATGGGGGGCCGCAGCAGGTTCTGAACCGTGGAGGTGCGGTCCGAGTTGCCATAGAAGAC-3'
Protein context (NP_000321.1, residues 185-205): TVQNLLRPPI[Ile195Val]SRFIRLIPLG